The following is an entry in ClinVar:

NM_005802.5(TOPORS):c.1765C>G (p.His589Asp)

Gene: TOPORS (TOP1 binding arginine/serine rich protein, E3 ubiquitin ligase; minus strand). Cytogenetic location: 9p21.1.
Variant type: single nucleotide variant.
Coding change: c.1765C>G on transcript NM_005802.5 (MANE Select); coding-DNA position 1765, C replaced by G.
Protein change: p.His589Asp; replaces histidine 589 with aspartic acid.
Molecular consequence: missense variant.
Genome position (GRCh38, 1-based): chr9:32,542,760, G>C on the plus strand (C>G on the coding strand, the complement: TOPORS is on the minus strand). VCF-style: chr9-32542760-G-C. GRCh37 (hg19) VCF-style: chr9-32542758-G-C.
Other names: c.1570C>G, p.His524Asp (NM_001195622.2); short protein forms H589D, H524D.
Identifiers: ClinVar variation 1396568 (VCV001396568.6), dbSNP rs2118967114, ClinGen allele CA373168320.

ClinVar aggregate classification (germline): Uncertain significance (1 of 4 stars; one submission).

Submission:

Labcorp Genetics (formerly Invitae), Labcorp
Classification: Uncertain significance. Last evaluated: 2021-12-08. Review status: criteria provided, single submitter. Criteria: Invitae Variant Classification Sherloc (09022015). Collection method: clinical testing. Allele origin: germline.
Comment: This sequence change replaces histidine, which is basic and polar, with aspartic acid, which is acidic and polar, at codon 589 of the TOPORS protein (p.His589Asp). This variant is not present in population databases (gnomAD no frequency). This variant has not been reported in the literature in individuals affected with TOPORS-related conditions. Algorithms developed to predict the effect of missense changes on protein structure and function (SIFT, PolyPhen-2, Align-GVGD) all suggest that this variant is likely to be tolerated. In summary, the available evidence is currently insufficient to determine the role of this variant in disease. Therefore, it has been classified as a Variant of Uncertain Significance.